The following is an entry in ClinVar:

NM_030962.4(SBF2):c.1173A>G (p.Ala391=)

Gene: SBF2 (SET binding factor 2; minus strand). Cytogenetic location: 11p15.4.
Variant type: single nucleotide variant.
Coding change: c.1173A>G on transcript NM_030962.4 (MANE Select); coding-DNA position 1173, A replaced by G.
Protein change: p.Ala391=; no amino-acid change (alanine 391 retained).
Molecular consequence: synonymous variant. On other transcripts: intron variant (1).
Genome position (GRCh38, 1-based): chr11:9,992,538, T>C on the plus strand (A>G on the coding strand, the complement: SBF2 is on the minus strand). VCF-style: chr11-9992538-T-C. GRCh37 (hg19) VCF-style: chr11-10014085-T-C.
Other names: p.Ala391=; c.1173A>G, p.Ala391= (NM_001386339.1); c.1167+452A>G (NM_001386342.1).
Identifiers: ClinVar variation 220575 (VCV000220575.59), dbSNP rs79470805, ClinGen allele CA350711.

ClinVar aggregate classification (germline): Benign/Likely benign. Review status: criteria provided, multiple submitters, no conflicts (2 of 4 stars). 10 submissions from 10 submitters: Benign (9); Likely benign (1). Last evaluated 2026-09-01.

Conditions:
Inborn genetic diseases. Identifiers: MedGen C0950123, MeSH D030342.
Charcot-Marie-Tooth disease type 4. Also called: Charcot-Marie-Tooth, Type 4; Charcot-Marie-Tooth disease, type IV. Identifiers: Orphanet 64749, MedGen C4082197, MONDO:0018995.
Charcot-Marie-Tooth disease. Also called: Charcot-Marie-Tooth Neuropathy; Charcot-Marie-Tooth Hereditary Neuropathy. Identifiers: Orphanet 166, MedGen C0007959, MONDO:0015626.
Charcot-Marie-Tooth disease type 4B2. Also called: CMT 4B2; Charcot-Marie-Tooth Neuropathy Type 4B2; CHARCOT-MARIE-TOOTH DISEASE, WITH FOCALLY FOLDED MYELIN SHEATHS, AUTOSOMAL RECESSIVE, TYPE 4B2; CHARCOT-MARIE-TOOTH DISEASE, DEMYELINATING, TYPE 4B2. Identifiers: Orphanet 99956, MedGen C1858278, MONDO:0011475, OMIM 604563.

Allele frequency attached by ClinVar (database versions not stated): 1000 Genomes Project 0.00419; 1000 Genomes Project 30x 0.00422; gnomAD 0.00687 and 0.00706; TOPMed 0.00725; gnomAD exomes 0.00751 and 0.00907; ExAC 0.00757; ESP Exome Variant Server 0.00808.
gnomAD v4.1: 14,359 of 1,610,934 alleles (0.89%); highest among the groups gnomAD compares: Middle Eastern, 4.5%; 117 homozygotes.

Submissions (10):

CeGaT Center for Human Genetics Tuebingen
Classification: Benign. Last evaluated: 2026-09-01. Review status: criteria provided, single submitter. Criteria: CeGaT Center For Human Genetics Tuebingen Variant Classification Criteria Version 2. Collection method: clinical testing. Allele origin: germline. Affected: yes. Observed: 31 variant alleles.
Comment: SBF2: BP4, BP7, BS1, BS2

Labcorp Genetics (formerly Invitae), Labcorp
Classification: Benign for Charcot-Marie-Tooth disease type 4. Last evaluated: 2026-02-01. Review status: criteria provided, single submitter. Criteria: Invitae Variant Classification Sherloc (09022015). Collection method: clinical testing. Allele origin: germline.

ARUP Laboratories, Molecular Genetics and Genomics, ARUP Laboratories
Classification: Benign for Charcot-Marie-Tooth disease type 4B2. Last evaluated: 2025-06-05. Review status: criteria provided, single submitter. Criteria: ARUP Molecular Germline Variant Investigation Process 2024. Collection method: clinical testing. Allele origin: germline.

Ambry Genetics
Classification: Likely benign for Inborn genetic diseases. Last evaluated: 2019-07-11. Review status: criteria provided, single submitter. Criteria: Ambry Variant Classification Scheme 2023. Collection method: clinical testing. Allele origin: germline.

Illumina Laboratory Services, Illumina
Classification: Benign for Charcot-Marie-Tooth disease type 4B2. Last evaluated: 2018-01-12. Review status: criteria provided, single submitter. Criteria: ICSL Variant Classification Criteria 13 December 2019. Collection method: clinical testing. Allele origin: germline.
Comment: This variant was observed in the ICSL laboratory as part of a predisposition screen in an ostensibly healthy population. It had not been previously curated by ICSL or reported in the Human Gene Mutation Database (HGMD: prior to June 1st, 2018), and was therefore a candidate for classification through an automated scoring system. Utilizing variant allele frequency, disease prevalence and penetrance estimates, and inheritance mode, an automated score was calculated to assess if this variant is too frequent to cause the disease. Based on the score and internal cut-off values, a variant classified as benign is not then subjected to further curation. The score for this variant resulted in a classification of benign for this disease.

Athena Diagnostics
Classification: Benign. Last evaluated: 2017-11-02. Review status: criteria provided, single submitter. Criteria: Athena Diagnostics Criteria. Collection method: clinical testing. Allele origin: germline.

Mayo Clinic Laboratories, Mayo Clinic
Classification: Benign. Last evaluated: 2016-08-10. Review status: criteria provided, single submitter. Criteria: ACMG Guidelines, 2015. Collection method: clinical testing. Allele origin: germline. Observed: 44 variant alleles.

GeneDx
Classification: Benign. Last evaluated: 2015-03-03. Review status: criteria provided, single submitter. Criteria: GeneDx Variant Classification Process June 2021. Collection method: clinical testing. Allele origin: germline. Affected: yes.

Breakthrough Genomics
Classification: Benign. Review status: criteria provided, single submitter. Criteria: ACMG Guidelines, 2015. Collection method: not provided. Allele origin: germline. Inheritance: Autosomal recessive inheritance. Affected: yes.

Molecular Genetics Laboratory, London Health Sciences Centre
Classification: Benign for Charcot-Marie-Tooth disease. Review status: criteria provided, single submitter. Criteria: ACMG Guidelines, 2015. Collection method: clinical testing. Allele origin: germline. Affected: yes.